The following is an entry in ClinVar:

NC_000001.10:g.(?_215844294)_(215848978_?)del

Gene: USH2A (usherin; minus strand). Cytogenetic location: 1q41.
Variant type: Deletion.
Identifiers: ClinVar variation 1458561 (VCV001458561.4).

ClinVar aggregate classification (germline): Pathogenic (1 of 4 stars; one submission).

Submission:

Labcorp Genetics (formerly Invitae), Labcorp
Classification: Pathogenic. Last evaluated: 2022-09-27. Review status: criteria provided, single submitter. Criteria: Invitae Variant Classification Sherloc (09022015). Collection method: clinical testing. Allele origin: germline.
Comment: This variant is a gross deletion of the genomic region encompassing exon(s) 63-64 of the USH2A gene. This variant would be expected to be in-frame, preserving the integrity of the reading frame. A similar copy number variant has been observed in individuals with clinical features of retinitis pigmentosa and/or hearing loss (PMID: 26969326, 28041643; Invitae). This variant disrupts the p.Thr4439 amino acid residue in USH2A. Other variant(s) that disrupt this residue have been determined to be pathogenic (PMID: 22135276, 25521520, 27460420). This suggests that this residue is clinically significant, and that variants that disrupt this residue are likely to be disease-causing. For these reasons, this variant has been classified as Pathogenic.

Literature cited by the submitters: PubMed 26969326; PubMed 28041643; PubMed 22135276; PubMed 25521520; PubMed 27460420.